The following is an entry in ClinVar:

ClinVar aggregate classification (germline): Uncertain significance. Review status: criteria provided, multiple submitters, no conflicts (2 of 4 stars). 3 submissions from 3 submitters: Uncertain significance (3). Last evaluated 2025-01-30.

Conditions:
Hereditary cancer-predisposing syndrome. Also called: Neoplastic Syndromes, Hereditary; Hereditary Cancer Syndrome; Tumor predisposition; Hereditary neoplastic syndrome. Identifiers: Orphanet 140162, MedGen C0027672, MeSH D009386, MONDO:0015356.

Submissions (3):

Labcorp Genetics (formerly Invitae), Labcorp
Classification: Uncertain significance. Last evaluated: 2025-01-30. Review status: criteria provided, single submitter. Criteria: Invitae Variant Classification Sherloc (09022015). Collection method: clinical testing. Allele origin: germline.
Comment: This sequence change replaces leucine, which is neutral and non-polar, with serine, which is neutral and polar, at codon 150 of the CTNNA1 protein (p.Leu150Ser). This variant is not present in population databases (gnomAD no frequency). This variant has not been reported in the literature in individuals affected with CTNNA1-related conditions. ClinVar contains an entry for this variant (Variation ID: 652913). Invitae Evidence Modeling of protein sequence and biophysical properties (such as structural, functional, and spatial information, amino acid conservation, physicochemical variation, residue mobility, and thermodynamic stability) indicates that this missense variant is expected to disrupt CTNNA1 protein function with a positive predictive value of 80%. In summary, the available evidence is currently insufficient to determine the role of this variant in disease. Therefore, it has been classified as a Variant of Uncertain Significance.

Ambry Genetics
Classification: Uncertain significance for Hereditary cancer-predisposing syndrome. Last evaluated: 2023-10-16. Review status: criteria provided, single submitter. Criteria: Ambry Variant Classification Scheme 2023. Collection method: clinical testing. Allele origin: germline.
Comment: The p.L150S variant (also known as c.449T>C), located in coding exon 3 of the CTNNA1 gene, results from a T to C substitution at nucleotide position 449. The leucine at codon 150 is replaced by serine, an amino acid with dissimilar properties. This amino acid position is highly conserved in available vertebrate species. In addition, this alteration is predicted to be deleterious by in silico analysis. The evidence for this gene-disease relationship is limited; therefore, the clinical significance of this alteration is unclear.

Blueprint Genetics
Classification: Uncertain significance. Last evaluated: 2019-09-16. Review status: criteria provided, single submitter. Criteria: ACMG Guidelines, 2015. Collection method: clinical testing. Allele origin: germline.

NM_001903.5(CTNNA1):c.449T>C (p.Leu150Ser)

Gene: CTNNA1 (catenin alpha 1; plus strand). Cytogenetic location: 5q31.2.
Variant type: single nucleotide variant.
Coding change: c.449T>C on transcript NM_001903.5 (MANE Select); coding-DNA position 449, T replaced by C.
Protein change: p.Leu150Ser; replaces leucine 150 with serine.
Molecular consequence: missense variant.
Genome position (GRCh38, 1-based): chr5:138,810,185, T>C. VCF-style: chr5-138810185-T-C. GRCh37 (hg19) VCF-style: chr5-138145874-T-C.
Other names: c.449T>C (NM_001903.2); c.449T>C, p.Leu150Ser (NM_001290307.3, NM_001323982.2, NM_001323983.1 and 3 more transcripts); c.140T>C, p.Leu47Ser (NM_001290309.3); c.80T>C, p.Leu27Ser (NM_001290310.3); short protein forms L47S, L150S, L27S.
Identifiers: ClinVar variation 652913 (VCV000652913.12), dbSNP rs1581105912, ClinGen allele CA361123655.